The following is an entry in ClinVar:

ClinVar aggregate classification (germline): Uncertain significance. Review status: criteria provided, multiple submitters, no conflicts (2 of 4 stars). 2 submissions from 2 submitters: Uncertain significance (2). Last evaluated 2025-03-13.

Conditions:
Epileptic encephalopathy. Identifiers: MedGen C0543888, HP:0200134.

Allele frequency attached by ClinVar (database versions not stated): TOPMed below 0.00001.

Submissions (2):

Women's Health and Genetics/Laboratory Corporation of America, LabCorp
Classification: Uncertain significance. Last evaluated: 2025-03-13. Review status: criteria provided, single submitter. Criteria: LabCorp Variant Classification Summary - May 2015. Collection method: clinical testing. Allele origin: germline.
Comment: Variant summary: GABBR2 c.1738G>T (p.Ala580Ser) results in a conservative amino acid change in the encoded protein sequence. Three of five in-silico tools predict a benign effect of the variant on protein function. The variant was absent in 251366 control chromosomes. The available data on variant occurrences in the general population are insufficient to allow any conclusion about variant significance. To our knowledge, no occurrence of c.1738G>T in individuals affected with Early Infantile Epileptic Encephalopathy 59 and no experimental evidence demonstrating its impact on protein function have been reported. ClinVar contains an entry for this variant (Variation ID: 955088). Based on the evidence outlined above, the variant was classified as uncertain significance.

Labcorp Genetics (formerly Invitae), Labcorp
Classification: Uncertain significance for Epileptic encephalopathy. Last evaluated: 2020-11-23. Review status: criteria provided, single submitter. Criteria: Invitae Variant Classification Sherloc (09022015). Collection method: clinical testing. Allele origin: germline.
Comment: This variant is not present in population databases (ExAC no frequency). In summary, the available evidence is currently insufficient to determine the role of this variant in disease. Therefore, it has been classified as a Variant of Uncertain Significance. Algorithms developed to predict the effect of missense changes on protein structure and function are either unavailable or do not agree on the potential impact of this missense change (SIFT: "Deleterious"; PolyPhen-2: "Benign"; Align-GVGD: "Class C0"). This variant has not been reported in the literature in individuals with GABBR2-related conditions. This sequence change replaces alanine with serine at codon 580 of the GABBR2 protein (p.Ala580Ser). The alanine residue is highly conserved and there is a moderate physicochemical difference between alanine and serine.

NM_005458.8(GABBR2):c.1738G>T (p.Ala580Ser)

Gene: GABBR2 (gamma-aminobutyric acid type B receptor subunit 2; minus strand). Cytogenetic location: 9q22.33.
Variant type: single nucleotide variant.
Coding change: c.1738G>T on transcript NM_005458.8 (MANE Select); coding-DNA position 1738, G replaced by T.
Protein change: p.Ala580Ser; replaces alanine 580 with serine.
Molecular consequence: missense variant.
Genome position (GRCh38, 1-based): chr9:98,371,496, C>A on the plus strand (G>T on the coding strand, the complement: GABBR2 is on the minus strand). VCF-style: chr9-98371496-C-A. GRCh37 (hg19) VCF-style: chr9-101133778-C-A.
Other names: short protein forms A580S.
Identifiers: ClinVar variation 955088 (VCV000955088.10), dbSNP rs989871267, ClinGen allele CA196783265.